The following is an entry in ClinVar:

ClinVar aggregate classification (germline): Conflicting classifications of pathogenicity. Review status: criteria provided, conflicting classifications (1 of 4 stars). 2 submissions from 2 submitters: Uncertain significance (1); Likely benign (1). Last evaluated 2025-11-19.

Conditions:
Hereditary cancer-predisposing syndrome. Also called: Tumor predisposition; Hereditary neoplastic syndrome; Neoplastic Syndromes, Hereditary; Hereditary Cancer Syndrome. Identifiers: Orphanet 140162, MedGen C0027672, MeSH D009386, MONDO:0015356.
Ataxia-telangiectasia syndrome (AT). Also called: Cerebello-oculocutaneous telangiectasia; Immunodeficiency with ataxia telangiectasia; LOUIS-BAR SYNDROME; AT, COMPLEMENTATION GROUP C; ATAXIA-TELANGIECTASIA, COMPLEMENTATION GROUP A; ATAXIA-TELANGIECTASIA, FRESNO VARIANT. Identifiers: Orphanet 100, MedGen C0004135, MONDO:0008840, OMIM 208900.

Submissions (2):

Ambry Genetics
Classification: Likely benign for Hereditary cancer-predisposing syndrome. Last evaluated: 2025-11-19. Review status: criteria provided, single submitter. Criteria: Ambry Variant Classification Scheme 2023. Collection method: clinical testing. Allele origin: germline.

Labcorp Genetics (formerly Invitae), Labcorp
Classification: Uncertain significance for Ataxia-telangiectasia syndrome. Last evaluated: 2019-05-30. Review status: criteria provided, single submitter. Criteria: Invitae Variant Classification Sherloc (09022015). Collection method: clinical testing. Allele origin: germline.
Comment: This variant has not been reported in the literature in individuals with ATM-related conditions. In summary, the available evidence is currently insufficient to determine the role of this variant in disease. Therefore, it has been classified as a Variant of Uncertain Significance. Algorithms developed to predict the effect of missense changes on protein structure and function (SIFT, PolyPhen-2, Align-GVGD) all suggest that this variant is likely to be tolerated, but these predictions have not been confirmed by published functional studies and their clinical significance is uncertain. This variant is not present in population databases (ExAC no frequency). This sequence change replaces lysine with glutamine at codon 129 of the ATM protein (p.Lys129Gln). The lysine residue is moderately conserved and there is a small physicochemical difference between lysine and glutamine.

Literature cited by the submitters: PubMed 40580951 (cited by Ambry Genetics).

NM_000051.4(ATM):c.385A>C (p.Lys129Gln)

Gene: ATM (ATM serine/threonine kinase; plus strand). Cytogenetic location: 11q22.3.
Variant type: single nucleotide variant.
Coding change: c.385A>C on transcript NM_000051.4 (MANE Select); coding-DNA position 385, A replaced by C.
Protein change: p.Lys129Gln; replaces lysine 129 with glutamine.
Molecular consequence: missense variant.
Genome position (GRCh38, 1-based): chr11:108,235,723, A>C. VCF-style: chr11-108235723-A-C. GRCh37 (hg19) VCF-style: chr11-108106450-A-C.
Other names: c.385A>C, p.Lys129Gln (NM_001351834.2); short protein forms K129Q.
Identifiers: ClinVar variation 937618 (VCV000937618.13), dbSNP rs2079239070, ClinGen allele CA382524830.